The following is an entry in ClinVar:

ClinVar aggregate classification (germline): Conflicting classifications of pathogenicity. Review status: criteria provided, conflicting classifications (1 of 4 stars). 4 submissions from 4 submitters: Uncertain significance (2); Likely benign (1). 1 of the submissions does not count toward it. Last evaluated 2025-06-10.

Conditions:
CDC6-related disorder. Also called: CDC6-related condition.

Allele frequency attached by ClinVar (database versions not stated): gnomAD exomes 0.00005 and 0.00016; ExAC 0.00017; ESP Exome Variant Server 0.00038; gnomAD 0.00055 and 0.00061; 1000 Genomes Project 30x 0.00062; TOPMed 0.00065; 1000 Genomes Project 0.00080.
gnomAD v4.1: 167 of 1,614,136 alleles (0.01%); highest among the groups gnomAD compares: African/African-American, 0.19%; 1 homozygote.

Submissions (4):

Ambry Genetics
Classification: Uncertain significance. Last evaluated: 2025-06-10. Review status: criteria provided, single submitter. Criteria: Ambry Variant Classification Scheme 2023. Collection method: clinical testing. Allele origin: germline.

Labcorp Genetics (formerly Invitae), Labcorp
Classification: Likely benign. Last evaluated: 2025-04-02. Review status: criteria provided, single submitter. Criteria: Invitae Variant Classification Sherloc (09022015). Collection method: clinical testing. Allele origin: germline.

Genetic Services Laboratory, University of Chicago
Classification: Uncertain significance. Last evaluated: 2015-02-26. Review status: criteria provided, single submitter. Criteria: ACMG Guidelines, 2015. Collection method: clinical testing. Allele origin: germline.

PreventionGenetics, part of Exact Sciences
Classification: Likely benign for CDC6-related condition. Last evaluated: 2024-01-23. Review status: no assertion criteria provided. Collection method: clinical testing. Allele origin: germline. Not counted in ClinVar's aggregate classification.
Comment: This variant is classified as likely benign based on ACMG/AMP sequence variant interpretation guidelines (Richards et al. 2015 PMID: 25741868, with internal and published modifications).

NM_001254.4(CDC6):c.640C>T (p.Arg214Trp)

Gene: CDC6 (cell division cycle 6; plus strand). Cytogenetic location: 17q21.2.
Variant type: single nucleotide variant.
Coding change: c.640C>T on transcript NM_001254.4 (MANE Select); coding-DNA position 640, C replaced by T.
Protein change: p.Arg214Trp; replaces arginine 214 with tryptophan.
Molecular consequence: missense variant.
Genome position (GRCh38, 1-based): chr17:40,291,648, C>T. VCF-style: chr17-40291648-C-T. GRCh37 (hg19) VCF-style: chr17-38447900-C-T.
Other names: short protein forms R214W.
Identifiers: ClinVar variation 210620 (VCV000210620.18), dbSNP rs147186134, ClinGen allele CA209246.
Genomic context (GRCh38, chr17:40,291,648, plus strand): 5'-AAAGCTGGAAGCCTTTACCTTTCTGGTGCTCCTGGAACTGGAAAAACTGCCTGCTTAAGC[C>T]GGATTCTGCAAGACCTCAAGGTACATTGAGAGTCTGAATTATGATACTCTTGGTAAAATG-3'
Protein context (NP_001245.1, residues 204-224): PGTGKTACLS[Arg214Trp]ILQDLKKELK